The following is an entry in ClinVar:

ClinVar aggregate classification (germline): Likely benign. Review status: criteria provided, multiple submitters, no conflicts (2 of 4 stars). 2 submissions from 2 submitters: Likely benign (2). Last evaluated 2023-12-01.

Conditions:
Cardiomyopathy (CMYO). Also called: Cardiomyopathies. Identifiers: Orphanet 167848, MedGen C0878544, MONDO:0004994, HP:0001638. Inheritance: Various modes of inheritance.
Hypertrophic cardiomyopathy. Also called: HYPERTROPHIC MYOCARDIOPATHY. Identifiers: Orphanet 217569, MedGen C0007194, MeSH D002312, MONDO:0005045, HP:0001639.

Allele frequency attached by ClinVar (database versions not stated): ExAC 0.00001.

Submissions (2):

All of Us Research Program, National Institutes of Health
Classification: Likely benign for Hypertrophic cardiomyopathy. Last evaluated: 2023-12-01. Review status: criteria provided, single submitter. Criteria: ACMG Guidelines, 2015. Collection method: clinical testing. Allele origin: germline. Inheritance: Autosomal dominant inheritance. Observed: 2 variant alleles, 2 heterozygotes.
Comment: This study involves interpretation of variants in research participants for the purpose of population health screening. Participant phenotype was not available at the time of variant classification. Additional details can be found in publication PMID: 35346344, PMCID: PMC8962531

Color Diagnostics, LLC DBA Color Health
Classification: Likely benign for Cardiomyopathy. Last evaluated: 2021-10-12. Review status: criteria provided, single submitter. Criteria: ACMG Guidelines, 2015. Collection method: clinical testing. Allele origin: germline.

NM_005159.5(ACTC1):c.639C>T (p.Asp213=)

Genes: ACTC1 (actin alpha cardiac muscle 1; minus strand), GJD2-DT (GJD2 divergent transcript; plus strand). Cytogenetic location: 15q14.
Variant type: single nucleotide variant.
Coding change: c.639C>T on transcript NM_005159.5 (MANE Select); coding-DNA position 639, C replaced by T.
Protein change: p.Asp213=; no amino-acid change (aspartic acid 213 retained).
Molecular consequence: synonymous variant.
Genome position (GRCh38, 1-based): chr15:34,792,259, G>A on the plus strand (C>T on the coding strand, the complement: ACTC1 is on the minus strand). VCF-style: chr15-34792259-G-A. GRCh37 (hg19) VCF-style: chr15-35084460-G-A.
Other names: c.639C>T, p.Asp213= (NM_001406482.1, NM_001406483.1); c.504C>T, p.Asp168= (NM_001406484.1); c.198C>T, p.Asp66= (NM_001406485.1).
Identifiers: ClinVar variation 2774899 (VCV002774899.3), dbSNP rs753599089, ClinGen allele CA042441.